The following is an entry in ClinVar:

ClinVar aggregate classification (germline): Uncertain significance (1 of 4 stars; one submission).

gnomAD v4.1: 2 of 1,613,494 alleles (0.00012%); highest among the groups gnomAD compares: East Asian, 0.0022%; no homozygotes.

Submission:

Labcorp Genetics (formerly Invitae), Labcorp
Classification: Uncertain significance. Last evaluated: 2024-05-07. Review status: criteria provided, single submitter. Criteria: Invitae Variant Classification Sherloc (09022015). Collection method: clinical testing. Allele origin: germline.
Comment: This sequence change replaces serine, which is neutral and polar, with phenylalanine, which is neutral and non-polar, at codon 636 of the RP1 protein (p.Ser636Phe). This variant is not present in population databases (gnomAD no frequency). This variant has not been reported in the literature in individuals affected with RP1-related conditions. An algorithm developed to predict the effect of missense changes on protein structure and function (PolyPhen-2) suggests that this variant is likely to be tolerated. In summary, the available evidence is currently insufficient to determine the role of this variant in disease. Therefore, it has been classified as a Variant of Uncertain Significance.

NM_006269.2(RP1):c.1907C>T (p.Ser636Phe)

Gene: RP1 (RP1 axonemal microtubule associated; plus strand). Cytogenetic location: 8q12.1.
Variant type: single nucleotide variant.
Coding change: c.1907C>T on transcript NM_006269.2 (MANE Select); coding-DNA position 1907, C replaced by T.
Protein change: p.Ser636Phe; replaces serine 636 with phenylalanine.
Molecular consequence: missense variant. On other transcripts: intron variant (1).
Genome position (GRCh38, 1-based): chr8:54,625,789, C>T. VCF-style: chr8-54625789-C-T. GRCh37 (hg19) VCF-style: chr8-55538349-C-T.
Other names: c.787+3501C>T (NM_001375654.1); short protein forms S636F.
Identifiers: ClinVar variation 3691478 (VCV003691478.2).
Genomic context (GRCh38, chr8:54,625,789, plus strand): 5'-CAAGTAATAACTCTGGAACTGACAAAAATATTTCTGAGGCTCCAGCTTCAGAAGCATCCT[C>T]TACTGTCACTGCAAGAATTGACAGACTAATTAATGAATTTGCTCAGTGTGGTTTAACAAA-3'
Protein context (NP_006260.1, residues 626-646): ISEAPASEAS[Ser636Phe]TVTARIDRLI